The following is an entry in ClinVar:

ClinVar aggregate classification (germline): Uncertain significance (1 of 4 stars; one submission).

Submission:

Institute for Human Genetics, University Hospital Essen
Classification: Uncertain significance. Last evaluated: 2025-11-27. Review status: criteria provided, single submitter. Criteria: Submitter's publication. Collection method: clinical testing. Allele origin: inherited. Inheritance: Autosomal unknown. Affected: yes. Observed: 1 variant allele, 1 compound heterozygote.
Comment: PM1, PM2_supp, PM3 (criteria rationale detailed in Leitão et al. Nature Genetics 2026)

NR_199791.1(RNU2-2):n.9T>C

Genes: RNU2-2 (RNA, U2 small nuclear 2; minus strand), WDR74 (WD repeat domain 74; minus strand). Cytogenetic location: 11q12.3.
Variant type: single nucleotide variant.
Molecular consequence: non-coding transcript variant (on NR_199791.1). On other transcripts: 5 prime UTR variant (1).
Genome position: GRCh38 VCF-style: chr11-62841801-A-G. GRCh37 (hg19) VCF-style: chr11-62609273-A-G.
Other names: c.-530T>C (NM_001369451.1).
Identifiers: ClinVar variation 4540521 (VCV004540521.1).